The following is an entry in ClinVar:

NM_000098.3(CPT2):c.977G>A (p.Cys326Tyr)

Gene: CPT2 (carnitine palmitoyltransferase 2; plus strand). Cytogenetic location: 1p32.3.
Variant type: single nucleotide variant.
Coding change: c.977G>A on transcript NM_000098.3 (MANE Select); coding-DNA position 977, G replaced by A.
Protein change: p.Cys326Tyr; replaces cysteine 326 with tyrosine.
Molecular consequence: missense variant.
Genome position (GRCh38, 1-based): chr1:53,210,651, G>A. VCF-style: chr1-53210651-G-A. GRCh37 (hg19) VCF-style: chr1-53676323-G-A.
Other names: c.977G>A, p.Cys326Tyr (NM_001330589.2); short protein forms C326Y.
Identifiers: ClinVar variation 1705478 (VCV001705478.2), dbSNP rs767601469, ClinGen allele CA859097.

ClinVar aggregate classification (germline): Uncertain significance. Review status: criteria provided, multiple submitters, no conflicts (2 of 4 stars). 2 submissions from 2 submitters: Uncertain significance (2). Last evaluated 2024-06-10.

Conditions:
Carnitine palmitoyl transferase II deficiency, neonatal form. Also called: CPT II DEFICIENCY, LETHAL NEONATAL; CPT2 DEFICIENCY, LETHAL NEONATAL; Carnitine palmitoyltransferase II deficiency, lethal neonatal; CARNITINE PALMITOYLTRANSFERASE II DEFICIENCY, ANTENATAL; CARNITINE PALMITOYLTRANSFERASE II DEFICIENCY, NEONATAL. Identifiers: Orphanet 228308, MedGen C1833518, MONDO:0012136, OMIM 608836.

Allele frequency attached by ClinVar (database versions not stated): gnomAD exomes below 0.00001; ExAC 0.00001.
gnomAD v4.1: 2 of 1,614,158 alleles (0.00012%); highest among the groups gnomAD compares: Non-Finnish European, 0.000085%; no homozygotes.

Submissions (2):

Women's Health and Genetics/Laboratory Corporation of America, LabCorp
Classification: Uncertain significance. Last evaluated: 2024-06-10. Review status: criteria provided, single submitter. Criteria: LabCorp Variant Classification Summary - May 2015. Collection method: clinical testing. Allele origin: germline.
Comment: Variant summary: CPT2 c.977G>A (p.Cys326Tyr) results in a non-conservative amino acid change located in the Choline/carnitine acyltransferase domain (IPR039551) of the encoded protein sequence. Five of five in-silico tools predict a damaging effect of the variant on protein function. The variant allele was found at a frequency of 4e-06 in 251222 control chromosomes. The available data on variant occurrences in the general population are insufficient to allow any conclusion about variant significance. c.977G>A has been reported in the literature in a compound heterozygous individuals affected with Carnitine Palmitoyltransferase II Deficiency (Fanin_2012). These data do not allow any conclusion about variant significance. To our knowledge, no experimental evidence demonstrating an impact on protein function has been reported. The following publication have been ascertained in the context of this evaluation (PMID: 21913903). ClinVar contains an entry for this variant (Variation ID: 1705478). Based on the evidence outlined above, the variant was classified as uncertain significance.

3billion
Classification: Uncertain significance for Carnitine palmitoyl transferase II deficiency, neonatal form. Last evaluated: 2022-09-01. Review status: criteria provided, single submitter. Criteria: ACMG Guidelines, 2015. Collection method: clinical testing. Allele origin: germline. Affected: yes. Observed: 1 heterozygote.
Comment: The variant is observed at an extremely low frequency in the gnomAD v2.1.1 dataset (total allele frequency: <0.001%). While this variant results in missense change, protein truncation variants are a common disease-causing mechanism. In silico tool predictions suggest damaging effect of the variant on gene or gene product (REVEL: 0.90; 3Cnet: 0.80). Same nucleotide change resulting in same amino acid change has been previously reported to be associated with CPT2-related disorder (PMID: 21913903). However, the evidence of pathogenicity is insufficient at this time. Therefore, this variant is classified as uncertain significance according to the recommendation of ACMG/AMP guideline.

Literature cited by the submitters: PubMed 21913903 (cited by Women's Health and Genetics/Laboratory Corporation of America, LabCorp and 3billion).